The following is an entry in ClinVar:

ClinVar aggregate classification (germline): Uncertain significance (0 of 4 stars; one submission).

Conditions:
MRAP2-related disorder. Also called: MRAP2-related condition.

Submission:

PreventionGenetics, part of Exact Sciences
Classification: Uncertain significance for MRAP2-related condition. Last evaluated: 2024-07-31. Review status: no assertion criteria provided. Collection method: clinical testing. Allele origin: germline.
Comment: The MRAP2 c.345_346delCT variant is predicted to result in a frameshift and premature protein termination (p.Phe116Serfs*6). To our knowledge, this variant has not been reported in the literature. This variant resides in the final exon of this gene, and it is unclear if the resulting mRNA would undergo nonsense-mediated decay. This variant is reported in 0.0065% of alleles in individuals of European (Non-Finnish) descent in gnomAD. At this time, the clinical significance of this variant is uncertain due to the absence of conclusive functional and genetic evidence.

NM_138409.4(MRAP2):c.345_346del (p.Phe116fs)

Gene: MRAP2 (melanocortin 2 receptor accessory protein 2; plus strand). Cytogenetic location: 6q14.2.
Variant type: Microsatellite.
Coding change: c.345_346del on transcript NM_138409.4 (MANE Select); coding-DNA positions 345 to 346, 2 bases deleted (CT; older notation c.345_346delCT).
Protein change: p.Phe116fs; shifts the reading frame from phenylalanine 116.
Molecular consequence: frameshift variant.
Genome position (GRCh38, 1-based): chr6:84,089,208-84,089,209, CT deleted; deleting any 2 consecutive bases within chr6:84,089,203-84,089,209 gives the same sequence; the c. name uses the placement nearest the transcript's 3' end. VCF-style (leftmost placement, unchanged base first): chr6-84089202-GTC-G. GRCh37 (hg19) VCF-style: chr6-84798921-GTC-G.
Other names: c.87_88del, p.Phe30fs (NM_001346541.2); c.345_346del, p.Phe116fs (NM_001346542.2, NM_001346544.2); c.180_181del, p.Phe61fs (NM_001346543.2); short protein forms F116fs, F30fs, F61fs.
Identifiers: ClinVar variation 3345049 (VCV003345049.1).